The following is an entry in ClinVar:

NM_152327.5(AK7):c.2104G>A (p.Val702Ile)

Gene: AK7 (adenylate kinase 7; plus strand). Cytogenetic location: 14q32.2.
Variant type: single nucleotide variant.
Coding change: c.2104G>A on transcript NM_152327.5 (MANE Select); coding-DNA position 2104, G replaced by A.
Protein change: p.Val702Ile; replaces valine 702 with isoleucine.
Molecular consequence: missense variant.
Genome position (GRCh38, 1-based): chr14:96,487,027, G>A. VCF-style: chr14-96487027-G-A. GRCh37 (hg19) VCF-style: chr14-96953364-G-A.
Other names: c.2035G>A, p.Val679Ile (NM_001350888.2, NM_001350890.2); c.2026G>A, p.Val676Ile (NM_001350891.2); c.1906G>A, p.Val636Ile (NM_001350892.2); short protein forms V676I, V702I, V636I, V679I.
Identifiers: ClinVar variation 1357499 (VCV001357499.4), dbSNP rs368361362, ClinGen allele CA7338054.

ClinVar aggregate classification (germline): Uncertain significance (1 of 4 stars; one submission).

Allele frequency attached by ClinVar (database versions not stated): gnomAD exomes 0.00015 and 0.00019; 1000 Genomes Project 30x 0.00016; ExAC 0.00016; 1000 Genomes Project 0.00020; ESP Exome Variant Server 0.00023; gnomAD 0.00026 and 0.00027; TOPMed 0.00033.
gnomAD v4.1: 266 of 1,613,968 alleles (0.016%); highest among the groups gnomAD compares: Admixed American, 0.045%; no homozygotes.

Submission:

Labcorp Genetics (formerly Invitae), Labcorp
Classification: Uncertain significance. Last evaluated: 2023-09-01. Review status: criteria provided, single submitter. Criteria: Invitae Variant Classification Sherloc (09022015). Collection method: clinical testing. Allele origin: germline.
Comment: In summary, the available evidence is currently insufficient to determine the role of this variant in disease. Therefore, it has been classified as a Variant of Uncertain Significance. Advanced modeling of protein sequence and biophysical properties (such as structural, functional, and spatial information, amino acid conservation, physicochemical variation, residue mobility, and thermodynamic stability) performed at Invitae indicates that this missense variant is not expected to disrupt AK7 protein function. ClinVar contains an entry for this variant (Variation ID: 1357499). This variant has not been reported in the literature in individuals affected with AK7-related conditions. This variant is present in population databases (rs368361362, gnomAD 0.03%). This sequence change replaces valine, which is neutral and non-polar, with isoleucine, which is neutral and non-polar, at codon 702 of the AK7 protein (p.Val702Ile).